The following is an entry in ClinVar:

NM_138959.3(VANGL1):c.*3653C>T

Gene: VANGL1 (VANGL planar cell polarity protein 1; plus strand). Cytogenetic location: 1p13.1.
Variant type: single nucleotide variant.
Coding change: c.*3653C>T on transcript NM_138959.3 (MANE Select); 3653 bases downstream of the stop codon, C replaced by T.
Molecular consequence: 3 prime UTR variant.
Genome position (GRCh38, 1-based): chr1:115,695,032, C>T. VCF-style: chr1-115695032-C-T. GRCh37 (hg19) VCF-style: chr1-116237653-C-T.
Other names: c.*3653C>T (NM_001172411.2, NM_001172412.2).
Identifiers: ClinVar variation 875788 (VCV000875788.4), dbSNP rs146435279, ClinGen allele CA29600057.

ClinVar aggregate classification (germline): Benign/Likely benign. Review status: criteria provided, single submitter (1 of 4 stars). 2 submissions from 1 submitter: Benign (1); Likely benign (1). Last evaluated 2018-01-13.

Conditions:
Neural tube defect (NTD). Also called: Neural tube defects. Identifiers: Orphanet 3388, Orphanet 823, MedGen C0027794, MONDO:0018075, HP:0045005.
Sacral defect with anterior meningocele. Identifiers: MedGen C1838568, OMIM 600145.

Allele frequency attached by ClinVar (database versions not stated): gnomAD 0.00414 and 0.00442; TOPMed 0.00456; 1000 Genomes Project 0.00639; 1000 Genomes Project 30x 0.00718.

Submissions (2):

Illumina Laboratory Services, Illumina
Classification: Benign for Sacral defect with anterior meningocele. Last evaluated: 2018-01-13. Review status: criteria provided, single submitter. Criteria: ICSL Variant Classification Criteria 13 December 2019. Collection method: clinical testing. Allele origin: germline.
Comment: This variant was observed in the ICSL laboratory as part of a predisposition screen in an ostensibly healthy population. It had not been previously curated by ICSL or reported in the Human Gene Mutation Database (HGMD: prior to June 1st, 2018), and was therefore a candidate for classification through an automated scoring system. Utilizing variant allele frequency, disease prevalence and penetrance estimates, and inheritance mode, an automated score was calculated to assess if this variant is too frequent to cause the disease. Based on the score and internal cut-off values, a variant classified as benign is not then subjected to further curation. The score for this variant resulted in a classification of benign for this disease.

Illumina Laboratory Services, Illumina
Classification: Likely benign for Neural tube defects, susceptibility to. Last evaluated: 2018-01-13. Review status: criteria provided, single submitter. Criteria: ICSL Variant Classification Criteria 13 December 2019. Collection method: clinical testing. Allele origin: germline.
Comment: This variant was observed in the ICSL laboratory as part of a predisposition screen in an ostensibly healthy population. It had not been previously curated by ICSL or reported in the Human Gene Mutation Database (HGMD: prior to June 1st, 2018), and was therefore a candidate for classification through an automated scoring system. Utilizing variant allele frequency, disease prevalence and penetrance estimates, and inheritance mode, an automated score was calculated to assess if this variant is too frequent to cause the disease. Based on the score and internal cut-off values, a variant classified as likely benign is not then subjected to further curation. The score for this variant resulted in a classification of likely benign for this disease.